The following is an entry in ClinVar:

ClinVar aggregate classification (germline): Pathogenic (1 of 4 stars; one submission).

Conditions:
Becker muscular dystrophy, Cardiomyopathy, Duchenne muscular dystrophy, Dystrophin deficiency.

Submission:

Natera, Inc.
Classification: Pathogenic for Becker muscular dystrophy, Cardiomyopathy, Duchenne muscular dystrophy, Dystrophin deficiency. Last evaluated: 2024-10-31. Review status: criteria provided, single submitter. Criteria: Natera Variant Classification Schema (03/2026). Collection method: clinical testing. Allele origin: germline.
Comment: The c.1812+1delG variant in DMD is a canonical splice donor site variant predicted to affect pre-mRNA splicing, which may result in an abnormal transcript and altered protein product. This variant is expected to result in nonsense mediated decay, truncation, or a dysfunctional protein product. This variant is rare in the general population with a frequency below the threshold expected for the associated phenotype(s). Another variant at this same site results in an alteration predicted to cause a similar molecular effect has been observed in individual(s) with the associated phenotype. Given the available evidence, this variant is classified as Pathogenic.

NM_004006.3(DMD):c.1812+1del

Gene: DMD (dystrophin; minus strand). Cytogenetic location: Xp21.1.
Variant type: Deletion.
Coding change: c.1812+1del on transcript NM_004006.3 (MANE Select); the canonical splice donor site of the intron after coding-DNA position 1812, one base deleted (G; older notation c.1812+1delG).
Molecular consequence: splice donor variant.
Genome position (GRCh38, 1-based): chrX:32,573,529, C deleted on the plus strand (G on the coding strand, the reverse complement: DMD is on the minus strand). VCF-style (leftmost placement, unchanged base first): chrX-32573528-AC-A. GRCh37 (hg19) VCF-style: chrX-32591645-AC-A.
Other names: c.1788+1del (NM_000109.4); c.1800+1del (NM_004009.3); c.1443+1del (NM_004010.3).
Identifiers: ClinVar variation 4815301 (VCV004815301.1).
Genomic context (GRCh38, chrX:32,573,528, plus strand): 5'-TAATAGTGATAATATACAGTACTGGGTTTTTATAAGACCATTGAAAGCTAGAAAGTACAT[AC>A]GGCCAGTTTTTGAAGACTTGATAACATTTCATTTTGATCTTTAAAGCCAGTTGTGTGAAT-3'